The following is an entry in ClinVar:

NM_001382430.1(AKT1):c.362G>T (p.Arg121Leu)

Gene: AKT1 (AKT serine/threonine kinase 1; minus strand). Cytogenetic location: 14q32.33.
Variant type: single nucleotide variant.
Coding change: c.362G>T on transcript NM_001382430.1 (MANE Select); coding-DNA position 362, G replaced by T.
Protein change: p.Arg121Leu; replaces arginine 121 with leucine.
Molecular consequence: missense variant.
Genome position (GRCh38, 1-based): chr14:104,775,725, C>A on the plus strand (G>T on the coding strand, the complement: AKT1 is on the minus strand). VCF-style: chr14-104775725-C-A. GRCh37 (hg19) VCF-style: chr14-105242062-C-A.
Other names: c.362G>T, p.Arg121Leu (NM_001014431.2, NM_001014432.2, NM_001382431.1 and 3 more transcripts); short protein forms R121L.
Identifiers: ClinVar variation 1443302 (VCV001443302.10), dbSNP rs1457484217, ClinGen allele CA391220194.

ClinVar aggregate classification (germline): Uncertain significance. Review status: criteria provided, multiple submitters, no conflicts (2 of 4 stars). 2 submissions from 2 submitters: Uncertain significance (2). Last evaluated 2023-11-19.

Conditions:
Cowden syndrome 6 (CWS6). Identifiers: Orphanet 201, MedGen C3554519, MONDO:0014048, OMIM 615109.
Inborn genetic diseases. Identifiers: MedGen C0950123, MeSH D030342.

Submissions (2):

Ambry Genetics
Classification: Uncertain significance for Inborn genetic diseases. Last evaluated: 2023-11-19. Review status: criteria provided, single submitter. Criteria: Ambry Variant Classification Scheme 2023. Collection method: clinical testing. Allele origin: germline.
Comment: The p.R121L variant (also known as c.362G>T), located in coding exon 4 of the AKT1 gene, results from a G to T substitution at nucleotide position 362. The arginine at codon 121 is replaced by leucine, an amino acid with dissimilar properties. This amino acid position is conserved. In addition, this alteration is predicted to be tolerated by in silico analysis. Since supporting evidence is limited at this time, the clinical significance of this alteration remains unclear.

Labcorp Genetics (formerly Invitae), Labcorp
Classification: Uncertain significance for Cowden syndrome 6. Last evaluated: 2021-07-13. Review status: criteria provided, single submitter. Criteria: Invitae Variant Classification Sherloc (09022015). Collection method: clinical testing. Allele origin: germline.
Comment: This sequence change replaces arginine with leucine at codon 121 of the AKT1 protein (p.Arg121Leu). The arginine residue is weakly conserved and there is a moderate physicochemical difference between arginine and leucine. This variant is not present in population databases (ExAC no frequency). This variant has not been reported in the literature in individuals affected with AKT1-related conditions. Algorithms developed to predict the effect of missense changes on protein structure and function (SIFT, PolyPhen-2, Align-GVGD) all suggest that this variant is likely to be tolerated. In summary, the available evidence is currently insufficient to determine the role of this variant in disease. Therefore, it has been classified as a Variant of Uncertain Significance.